The following is an entry in ClinVar:

NM_005881.4(BCKDK):c.120G>A (p.Val40=)

Gene: BCKDK (branched chain keto acid dehydrogenase kinase; plus strand). Cytogenetic location: 16p11.2.
Variant type: single nucleotide variant.
Coding change: c.120G>A on transcript NM_005881.4 (MANE Select); coding-DNA position 120, G replaced by A.
Protein change: p.Val40=; no amino-acid change (valine 40 retained).
Molecular consequence: synonymous variant.
Genome position (GRCh38, 1-based): chr16:31,109,343, G>A. VCF-style: chr16-31109343-G-A. GRCh37 (hg19) VCF-style: chr16-31120664-G-A.
Other names: c.120G>A, p.Val40= (NM_001122957.4, NM_001271926.3); c.120G>A (NM_005881.3).
Identifiers: ClinVar variation 1464679 (VCV001464679.11), dbSNP rs933735430, ClinGen allele CA280570829.

ClinVar aggregate classification (germline): Likely benign. Review status: criteria provided, multiple submitters, no conflicts (2 of 4 stars). 3 submissions from 3 submitters: Likely benign (2). 1 of the submissions does not count toward it. Last evaluated 2024-07-02.

Conditions:
BCKDK-related disorder. Also called: BCKDK-related condition.
Branched-chain keto acid dehydrogenase kinase deficiency (BCKDKD). Also called: BCKDK DEFICIENCY. Identifiers: Orphanet 308410, MedGen C3554078, MONDO:0013970, OMIM 614923.

Allele frequency attached by ClinVar (database versions not stated): gnomAD exomes below 0.00001; gnomAD 0.00001; TOPMed 0.00002.

Submissions (3):

Blueprint Genetics
Classification: Likely benign. Last evaluated: 2024-07-02. Review status: criteria provided, single submitter. Criteria: ACMG Guidelines, 2015. Collection method: clinical testing. Allele origin: germline.

Labcorp Genetics (formerly Invitae), Labcorp
Classification: Likely benign for Branched-chain keto acid dehydrogenase kinase deficiency. Last evaluated: 2023-04-24. Review status: criteria provided, single submitter. Criteria: Invitae Variant Classification Sherloc (09022015). Collection method: clinical testing. Allele origin: germline.

PreventionGenetics, part of Exact Sciences
Classification: Likely benign for BCKDK-related condition. Last evaluated: 2022-01-31. Review status: no assertion criteria provided. Collection method: clinical testing. Allele origin: germline. Not counted in ClinVar's aggregate classification.
Comment: This variant is classified as likely benign based on ACMG/AMP sequence variant interpretation guidelines (Richards et al. 2015 PMID: 25741868, with internal and published modifications).